The following is an entry in ClinVar:

NM_004473.4(FOXE1):c.505GCC[7] (p.Ala176_Ala179del)

Gene: FOXE1 (forkhead box E1; plus strand). Cytogenetic location: 9q22.33.
Variant type: Microsatellite.
Coding change: c.505GCC[7] on transcript NM_004473.4 (MANE Select); seven copies in a row of the 3-base unit GCC starting at c.505; the reference has 11 copies in a row; four copies, 12 bases deleted; also written c.526_537del.
Protein change: p.Ala176_Ala179del.
Molecular consequence: inframe deletion.
Genome position (GRCh38, 1-based): chr9:97,854,440-97,854,451, GCCGCCGCCGCC deleted; deleting any 12 consecutive bases within chr9:97,854,419-97,854,451 gives the same sequence; the position shown is the placement nearest the transcript's 3' end. VCF-style (leftmost placement, unchanged base first): chr9-97854418-AGCCGCCGCCGCC-A. GRCh37 (hg19) VCF-style: chr9-100616700-AGCCGCCGCCGCC-A.
Other names: c.526_537del (NM_004473.4); c.526_537del12 (NM_004473.4).
Identifiers: ClinVar variation 522197 (VCV000522197.31), dbSNP rs71369530, ClinGen allele CA5149118.
Genomic context (GRCh38, chr9:97,854,418, plus strand): 5'-CTTCAAGCGCTCGGACCTCTCCACCTACCCGGCTTACATGCACGACGCGGCGGCTGCCGC[AGCCGCCGCCGCC>A]GCCGCCGCCGCCGCCGCCGCCATCTTCCCAGGCGCGGTGCCCGCCGCGCGCCCCCCCTAC-3'

ClinVar aggregate classification (germline): Benign/Likely benign. Review status: criteria provided, multiple submitters, no conflicts (2 of 4 stars). 6 submissions from 6 submitters: Benign (1); Likely benign (3). 2 of the submissions do not count toward it. Last evaluated 2026-08-01.

Conditions:
Bamforth-Lazarus syndrome. Identifiers: Orphanet 1226, MedGen C1855794, MONDO:0009437, OMIM 241850.
Thyroid cancer, nonmedullary, 4 (NMTC4). Identifiers: MedGen C4225293, MONDO:0014681, OMIM 616534.

Submissions (6):

CeGaT Center for Human Genetics Tuebingen
Classification: Likely benign. Last evaluated: 2026-08-01. Review status: criteria provided, single submitter. Criteria: CeGaT Center For Human Genetics Tuebingen Variant Classification Criteria Version 2. Collection method: clinical testing. Allele origin: germline. Affected: yes. Observed: 10 variant alleles.
Comment: FOXE1: BS2

Women's Health and Genetics/Laboratory Corporation of America, LabCorp
Classification: Benign. Last evaluated: 2026-06-03. Review status: criteria provided, single submitter. Criteria: LabCorp Variant Classification Summary - May 2015. Collection method: clinical testing. Allele origin: germline.
Comment: Variant summary: FOXE1 c.526_537del12 (p.Ala176_Ala179del) results in an in-frame deletion in a repeat region that is predicted to remove four amino acids from the encoded protein. The variant allele was found at a frequency of 0.0066 in 1219990 control chromosomes in the gnomAD database, including 40 homozygotes. The observed variant frequency exceeds the estimated maximal expected allele frequency for disease-causing variants in FOXE1. To our knowledge, no occurrence of c.526_537del12 in individuals affected with FOXE1-related conditions and no experimental evidence demonstrating its impact on protein function have been reported. ClinVar contains an entry for this variant (Variation ID: 522197). Based on the evidence outlined above, the variant was classified as benign.

Fulgent Genetics
Classification: Likely benign for Bamforth-Lazarus syndrome; Thyroid cancer, nonmedullary, 4. Last evaluated: 2021-11-12. Review status: criteria provided, single submitter. Criteria: ACMG Guidelines, 2015. Collection method: clinical testing. Allele origin: unknown.

Genome Diagnostics Laboratory, University Medical Center Utrecht
Classification: Likely benign for Bamforth-Lazarus syndrome. Last evaluated: 2016-03-29. Review status: criteria provided, single submitter. Criteria: ACGS Guidelines, 2013. Collection method: clinical testing. Allele origin: germline. Affected: yes. Study: VKGL Data-share Consensus.

Clinical Genetics, Academic Medical Center
Classification: Benign. Review status: no assertion criteria provided. Collection method: clinical testing. Allele origin: germline. Affected: yes. Study: VKGL Data-share Consensus. Not counted in ClinVar's aggregate classification.

Laboratory of Diagnostic Genome Analysis, Leiden University Medical Center (LUMC)
Classification: Likely benign. Review status: no assertion criteria provided. Collection method: clinical testing. Allele origin: germline. Affected: yes. Study: VKGL Data-share Consensus. Not counted in ClinVar's aggregate classification.